The following is an entry in ClinVar:

NM_001394062.1(MACF1):c.15745G>A (p.Glu5249Lys)

Gene: MACF1 (microtubule actin crosslinking factor 1; plus strand). Cytogenetic location: 1p34.3.
Variant type: single nucleotide variant.
Coding change: c.15745G>A on transcript NM_001394062.1 (MANE Select); coding-DNA position 15745, G replaced by A.
Protein change: p.Glu5249Lys; replaces glutamic acid 5249 with lysine.
Molecular consequence: missense variant.
Genome position (GRCh38, 1-based): chr1:39,388,587, G>A. VCF-style: chr1-39388587-G-A. GRCh37 (hg19) VCF-style: chr1-39854259-G-A.
Other names: c.9559G>A, p.Glu3187Lys (NM_012090.5); short protein forms E3187K, E5249K.
Identifiers: ClinVar variation 3367319 (VCV003367319.1).
Genomic context (GRCh38, chr1:39,388,587, plus strand): 5'-CGTGTAGAGGACTTCTACAGGAAATTGAAAGGACTCAATGACGCGACCACAGCAGCAGAG[G>A]AGGCAGAGGCCCTCCAGTGGGTAGTGGGGACCGAAGTGGAAATCATCAACCAACAATTAG-3'
Protein context (NP_001380991.1, residues 5239-5259): GLNDATTAAE[Glu5249Lys]AEALQWVVGT

ClinVar aggregate classification (germline): Uncertain significance (1 of 4 stars; one submission).

Submission:

GeneDx
Classification: Uncertain significance. Last evaluated: 2024-01-12. Review status: criteria provided, single submitter. Criteria: GeneDx Variant Classification Process June 2021. Collection method: clinical testing. Allele origin: germline. Affected: yes.
Comment: Not observed at significant frequency in large population cohorts (gnomAD); In silico analysis supports that this missense variant has a deleterious effect on protein structure/function; Has not been previously published as pathogenic or benign to our knowledge